The following is an entry in ClinVar:

ClinVar aggregate classification (germline): Uncertain significance (1 of 4 stars; one submission).

Conditions:
Inborn genetic diseases. Identifiers: MedGen C0950123, MeSH D030342.

gnomAD v4.1: 1 of 1,606,758 alleles (0.000062%); highest among the groups gnomAD compares: Non-Finnish European, 0.000085%; no homozygotes.

Submission:

Ambry Genetics
Classification: Uncertain significance for Inborn genetic diseases. Last evaluated: 2024-11-23. Review status: criteria provided, single submitter. Criteria: Ambry Variant Classification Scheme 2023. Collection method: clinical testing. Allele origin: germline.
Comment: The p.Q150P variant (also known as c.449A>C), located in coding exon 4 of the ELANE gene, results from an A to C substitution at nucleotide position 449. The glutamine at codon 150 is replaced by proline, an amino acid with similar properties. This amino acid position is conserved. In addition, this alteration is predicted to be tolerated by in silico analysis. Based on the available evidence, the clinical significance of this variant remains unclear.

NM_001972.4(ELANE):c.449A>C (p.Gln150Pro)

Gene: ELANE (elastase, neutrophil expressed; plus strand). Cytogenetic location: 19p13.3.
Variant type: single nucleotide variant.
Coding change: c.449A>C on transcript NM_001972.4 (MANE Select); coding-DNA position 449, A replaced by C.
Protein change: p.Gln150Pro; replaces glutamine 150 with proline.
Molecular consequence: missense variant.
Genome position (GRCh38, 1-based): chr19:855,646, A>C. VCF-style: chr19-855646-A-C. GRCh37 (hg19) VCF-style: chr19-855646-A-C.
Other names: short protein forms Q150P.
Identifiers: ClinVar variation 3507756 (VCV003507756.1).
Genomic context (GRCh38, chr19:855,646, plus strand): 5'-ACGCCAACGTGCAGGTGGCCCAGCTGCCGGCTCAGGGACGCCGCCTGGGCAACGGGGTGC[A>C]GTGCCTGGCCATGGGCTGGGGCCTTCTGGGCAGGAACCGTGGGATCGCCAGCGTCCTGCA-3'
Protein context (NP_001963.1, residues 140-160): AQGRRLGNGV[Gln150Pro]CLAMGWGLLG